The following is an entry in ClinVar:

NM_019112.4(ABCA7):c.455C>T (p.Pro152Leu)

Gene: ABCA7 (ATP binding cassette subfamily A member 7; plus strand). Cytogenetic location: 19p13.3.
Variant type: single nucleotide variant.
Coding change: c.455C>T on transcript NM_019112.4 (MANE Select); coding-DNA position 455, C replaced by T.
Protein change: p.Pro152Leu; replaces proline 152 with leucine.
Molecular consequence: missense variant.
Genome position (GRCh38, 1-based): chr19:1,042,354, C>T. VCF-style: chr19-1042354-C-T. GRCh37 (hg19) VCF-style: chr19-1042353-C-T.
Other names: short protein forms P152L.
Identifiers: ClinVar variation 777342 (VCV000777342.8), dbSNP rs151054304, ClinGen allele CA9032565.

ClinVar aggregate classification (germline): Benign/Likely benign. Review status: criteria provided, multiple submitters, no conflicts (2 of 4 stars). 5 submissions from 5 submitters: Benign (2); Likely benign (2). 1 of the submissions does not count toward it. Last evaluated 2026-08-01.

Conditions:
ABCA7-related disorder. Also called: ABCA7-related condition.

Allele frequency attached by ClinVar (database versions not stated): ESP Exome Variant Server 0.00523; 1000 Genomes Project 30x 0.00531; 1000 Genomes Project 0.00559; gnomAD exomes 0.00039 and 0.00112; ExAC 0.00146; gnomAD 0.00386 and 0.00407; TOPMed 0.00453.
gnomAD v4.1: 1,183 of 1,599,772 alleles (0.074%); highest among the groups gnomAD compares: African/African-American, 1.4%; 6 homozygotes.

Submissions (5):

CeGaT Center for Human Genetics Tuebingen
Classification: Likely benign. Last evaluated: 2026-08-01. Review status: criteria provided, single submitter. Criteria: CeGaT Center For Human Genetics Tuebingen Variant Classification Criteria Version 2. Collection method: clinical testing. Allele origin: germline. Affected: yes. Observed: 1 variant allele.
Comment: ABCA7: BS1

Blueprint Genetics
Classification: Likely benign. Last evaluated: 2024-10-22. Review status: criteria provided, single submitter. Criteria: ACMG Guidelines, 2015. Collection method: clinical testing. Allele origin: germline.

Labcorp Genetics (formerly Invitae), Labcorp
Classification: Benign. Last evaluated: 2018-04-03. Review status: criteria provided, single submitter. Criteria: Invitae Variant Classification Sherloc (09022015). Collection method: clinical testing. Allele origin: germline.

Breakthrough Genomics
Classification: Benign. Review status: criteria provided, single submitter. Criteria: ACMG Guidelines, 2015. Collection method: not provided. Allele origin: germline. Inheritance: Autosomal dominant inheritance. Affected: yes.

PreventionGenetics, part of Exact Sciences
Classification: Benign for ABCA7-related condition. Last evaluated: 2019-09-18. Review status: no assertion criteria provided. Collection method: clinical testing. Allele origin: germline. Not counted in ClinVar's aggregate classification.
Comment: This variant is classified as benign based on ACMG/AMP sequence variant interpretation guidelines (Richards et al. 2015 PMID: 25741868, with internal and published modifications).